The following is an entry in ClinVar:

ClinVar aggregate classification (germline): Pathogenic/Likely pathogenic. Review status: criteria provided, multiple submitters, no conflicts (2 of 4 stars). 4 submissions from 4 submitters: Pathogenic (2); Likely pathogenic (1). 1 of the submissions does not count toward it. Last evaluated 2025-11-03.

Conditions:
CNNM4-related disorder. Also called: CNNM4-related condition.
Jalili syndrome. Also called: CONE-ROD DYSTROPHY AND AMELOGENESIS IMPERFECTA. Identifiers: Orphanet 1873, MedGen C3495589, MONDO:0009007, OMIM 217080.

Allele frequency attached by ClinVar (database versions not stated): gnomAD 0.00001; gnomAD exomes 0.00001 and 0.00004; TOPMed 0.00003.

Submissions (4):

Labcorp Genetics (formerly Invitae), Labcorp
Classification: Pathogenic. Last evaluated: 2025-11-03. Review status: criteria provided, single submitter. Criteria: Invitae Variant Classification Sherloc (09022015). Collection method: clinical testing. Allele origin: germline.
Comment: This sequence change creates a premature translational stop signal (p.Gln717*) in the CNNM4 gene. While this is not anticipated to result in nonsense mediated decay, it is expected to disrupt the last 59 amino acid(s) of the CNNM4 protein. This variant is present in population databases (rs75559353, gnomAD 0.002%). This premature translational stop signal has been observed in individual(s) with Jalili syndrome (PMID: 19200525). It has also been observed to segregate with disease in related individuals. ClinVar contains an entry for this variant (Variation ID: 2852). For these reasons, this variant has been classified as Pathogenic.

GeneDx
Classification: Likely pathogenic. Last evaluated: 2023-06-05. Review status: criteria provided, single submitter. Criteria: GeneDx Variant Classification Process June 2021. Collection method: clinical testing. Allele origin: germline. Affected: yes.
Comment: Not observed at significant frequency in large population cohorts (gnomAD); Nonsense variant predicted to result in protein truncation as the last 59 amino acids are lost, although loss-of-function variants have not been reported downstream of this position in the protein; Identified in a family with Jalili syndrome in the published literature (Parry DA et al., 2009); This variant is associated with the following publications: (PMID: 19200525, 28246031)

Blueprint Genetics
Classification: Pathogenic for CNNM4-related disorders. Last evaluated: 2023-02-17. Review status: criteria provided, single submitter. Criteria: ACMG Guidelines, 2015. Collection method: clinical testing. Allele origin: germline. Affected: yes. Observed: 3 variant alleles.

OMIM
Classification: Pathogenic for JALILI SYNDROME. Last evaluated: 2009-02-01. Review status: no assertion criteria provided. Collection method: literature only. Allele origin: germline. Not counted in ClinVar's aggregate classification.

Literature cited by the submitters: PubMed 19200525 (cited by Labcorp Genetics (formerly Invitae), Labcorp and OMIM).

NM_020184.4(CNNM4):c.2149C>T (p.Gln717Ter)

Gene: CNNM4 (cyclin and CBS domain divalent metal cation transport mediator 4; plus strand). Cytogenetic location: 2q11.2.
Variant type: single nucleotide variant.
Coding change: c.2149C>T on transcript NM_020184.4 (MANE Select); coding-DNA position 2149, C replaced by T.
Protein change: p.Gln717Ter; replaces glutamine 717 with a stop codon.
Molecular consequence: nonsense.
Genome position (GRCh38, 1-based): chr2:96,809,338, C>T. VCF-style: chr2-96809338-C-T. GRCh37 (hg19) VCF-style: chr2-97475075-C-T.
Other names: c.2149C>T (NM_020184.3); short protein forms Q717*.
Identifiers: ClinVar variation 2852 (VCV000002852.11), dbSNP rs75559353, ClinGen allele CA115784.